The following is an entry in ClinVar:

NM_000238.4(KCNH2):c.1900A>C (p.Thr634Pro)

Gene: KCNH2 (potassium voltage-gated channel subfamily H member 2; minus strand). Cytogenetic location: 7q36.1.
Variant type: single nucleotide variant.
Coding change: c.1900A>C on transcript NM_000238.4 (MANE Select); coding-DNA position 1900, A replaced by C.
Protein change: p.Thr634Pro; replaces threonine 634 with proline.
Molecular consequence: missense variant.
Genome position (GRCh38, 1-based): chr7:150,951,493, T>G on the plus strand (A>C on the coding strand, the complement: KCNH2 is on the minus strand). VCF-style: chr7-150951493-T-G. GRCh37 (hg19) VCF-style: chr7-150648581-T-G.
Other names: c.880A>C, p.Thr294Pro (NM_001204798.2, NM_172057.3); c.1612A>C, p.Thr538Pro (NM_001406753.1, NM_001406756.1); c.1723A>C, p.Thr575Pro (NM_001406755.1); c.1600A>C, p.Thr534Pro (NM_001406757.1); c.1900A>C, p.Thr634Pro (NM_172056.3); short protein forms T294P, T534P, T538P, T575P, T634P.
Identifiers: ClinVar variation 1805603 (VCV001805603.1), dbSNP rs794728377, ClinGen allele CA369857878.
Genomic context (GRCh38, chr7:150,951,493, plus strand): 5'-CCTGGGCACACTCACAGCCAATGAGCATGACGCAGATGGAGAAGATCTTCTCTGAGTTGG[T>G]GTTGGGAGAGACGTTGCCGAAGCCCACACTGGTGAGGCTGCTGAAGGTGAAGTAGAGCGC-3'
Protein context (NP_000229.1, residues 624-644): SVGFGNVSPN[Thr634Pro]NSEKIFSICV

ClinVar aggregate classification (germline): Uncertain significance (1 of 4 stars; one submission).

Conditions:
Long QT syndrome 2 (LQT2). Identifiers: Orphanet 101016, Orphanet 768, MedGen C3150943, MONDO:0013367, OMIM 613688.

Submission:

Victorian Clinical Genetics Services, Murdoch Childrens Research Institute
Classification: Uncertain significance for Long QT syndrome 2. Last evaluated: 2020-10-19. Review status: criteria provided, single submitter. Criteria: ACMG Guidelines, 2015. Collection method: clinical testing. Allele origin: germline. Inheritance: Autosomal dominant inheritance. Affected: yes.
Comment: Based on the classification scheme VCGS_Germline_v1.3.3, this variant is classified as 3A - VUS. Following criteria are met: 0103 - Dominant negative and loss of function are known mechanisms of disease in this gene and are associated with long QT syndrome (MIM#2613688). Gain of function is also a known mechanism associated with short QT syndrome (MIM#16096203) (OMIM, PMIDs: 10753933, 21777565). (I) 0107 - This gene is associated with autosomal dominant disease. (I) 0112 - The condition associated with this gene has incomplete penetrance (PMID: 20301308). (I) 0200 - Variant is predicted to result in a missense amino acid change from threonine to proline. (I) 0251 - This variant is heterozygous. (I) 0301 - Variant is absent from gnomAD (both v2 and v3). (SP) 0501 - Missense variant consistently predicted to be damaging by multiple in silico tools or highly conserved with a major amino acid change. (SP) 0600 - Variant is located in the annotated S6 pore domain (PMID: 19716085). (I) 0703 - Other missense variants comparable to the one identified in this case have moderate previous evidence for pathogenicity. The p.(Thr634Ile) and p.(Thr63Ala) missense variants have been reported in multiple individuals with long QT syndrome (ClinVar; PMIDs: 19716085, 27041096, 24363352). (SP) 0807 - This variant has no previous evidence of pathogenicity. (I) 0905 - No published segregation evidence has been identified for this variant. (I) 1007 - No published functional evidence has been identified for this variant. (I) 1208 - Inheritance information for this variant is not currently available in this individual. (I) Legend: (SP) - Supporting pathogenic, (I) - Information, (SB) - Supporting benign

Literature cited by the submitters: PubMed 10753933; PubMed 19716085; PubMed 20301308; PubMed 21777565; PubMed 24363352; PubMed 27041096.